The following is an entry in ClinVar:

NM_000038.6(APC):c.65A>C (p.Asn22Thr)

Gene: APC (APC regulator of Wnt signaling pathway; plus strand). Cytogenetic location: 5q22.2.
Variant type: single nucleotide variant.
Coding change: c.65A>C on transcript NM_000038.6 (MANE Select); coding-DNA position 65, A replaced by C.
Protein change: p.Asn22Thr; replaces asparagine 22 with threonine.
Molecular consequence: missense variant. On other transcripts: 5 prime UTR variant (1), intron variant (8).
Genome position (GRCh38, 1-based): chr5:112,754,955, A>C. VCF-style: chr5-112754955-A-C. GRCh37 (hg19) VCF-style: chr5-112090652-A-C.
Other names: c.65A>C, p.Asn22Thr (NM_001127510.3, NM_001354895.2, NM_001354896.2 and 16 more transcripts); c.-971A>C (NM_001354906.2, NM_001407470.1, NM_001407471.1 and 1 more transcripts); c.166-11371A>C (NM_001354897.2, NM_001354902.2, NM_001127511.3); c.61-11371A>C (NM_001354898.2, NM_001354904.2); c.-42-11371A>C (NM_001354900.2, NM_001354901.2, NM_001354905.2); short protein forms N22T.
Identifiers: ClinVar variation 1993024 (VCV001993024.4), dbSNP rs2532136686, ClinGen allele CA16021482.

ClinVar aggregate classification (germline): Uncertain significance (1 of 4 stars; one submission).

Conditions:
Familial adenomatous polyposis 1 (FAP1). Also called: POLYPOSIS, ADENOMATOUS INTESTINAL; FAMILIAL ADENOMATOUS POLYPOSIS 1, ATTENUATED. Identifiers: MedGen C2713442, MONDO:0021056, OMIM 175100. Disease mechanism: loss of function.

Submission:

Labcorp Genetics (formerly Invitae), Labcorp
Classification: Uncertain significance for Familial adenomatous polyposis 1. Last evaluated: 2022-05-11. Review status: criteria provided, single submitter. Criteria: Invitae Variant Classification Sherloc (09022015). Collection method: clinical testing. Allele origin: germline.
Comment: In summary, the available evidence is currently insufficient to determine the role of this variant in disease. Therefore, it has been classified as a Variant of Uncertain Significance. Algorithms developed to predict the effect of missense changes on protein structure and function (SIFT, PolyPhen-2, Align-GVGD) all suggest that this variant is likely to be tolerated. This variant has not been reported in the literature in individuals affected with APC-related conditions. This variant is not present in population databases (gnomAD no frequency). This sequence change replaces asparagine, which is neutral and polar, with threonine, which is neutral and polar, at codon 22 of the APC protein (p.Asn22Thr).